The following is an entry in ClinVar:

NM_134261.3(RORA):c.355C>T (p.Arg119Ter)

Genes: RORA (RAR related orphan receptor A; minus strand), RORA-AS1 (RORA antisense RNA 1; plus strand). Cytogenetic location: 15q22.2.
Variant type: single nucleotide variant.
Coding change: c.355C>T on transcript NM_134261.3 (MANE Select); coding-DNA position 355, C replaced by T.
Protein change: p.Arg119Ter; replaces arginine 119 with a stop codon.
Molecular consequence: nonsense.
Genome position (GRCh38, 1-based): chr15:60,514,685, G>A on the plus strand (C>T on the coding strand, the complement: RORA is on the minus strand). VCF-style: chr15-60514685-G-A. GRCh37 (hg19) VCF-style: chr15-60806884-G-A.
Other names: c.430C>T, p.Arg144Ter (NM_002943.4); c.454C>T, p.Arg152Ter (NM_134260.3); c.190C>T, p.Arg64Ter (NM_134262.3); short protein forms R119*, R144*, R152*, R64*.
Identifiers: ClinVar variation 4686787 (VCV004686787.1).

ClinVar aggregate classification (germline): Pathogenic (1 of 4 stars; one submission).

Submission:

GeneDx
Classification: Pathogenic. Last evaluated: 2025-07-25. Review status: criteria provided, single submitter. Criteria: GeneDx Variant Classification Process June 2021. Collection method: clinical testing. Allele origin: germline. Affected: yes.
Comment: Nonsense variant predicted to result in protein truncation or nonsense mediated decay in a gene for which loss of function is a known mechanism of disease; Not observed at significant frequency in large population cohorts (gnomAD); Has not been previously published as pathogenic or benign to our knowledge